The following is an entry in ClinVar:

NM_152383.5(DIS3L2):c.1495A>G (p.Ser499Gly)

Gene: DIS3L2 (DIS3 like 3'-5' exoribonuclease 2; plus strand). Cytogenetic location: 2q37.1.
Variant type: single nucleotide variant.
Coding change: c.1495A>G on transcript NM_152383.5 (MANE Select); coding-DNA position 1495, A replaced by G.
Protein change: p.Ser499Gly; replaces serine 499 with glycine.
Molecular consequence: missense variant. On other transcripts: non-coding transcript variant (2).
Genome position (GRCh38, 1-based): chr2:232,263,276, A>G. VCF-style: chr2-232263276-A-G. GRCh37 (hg19) VCF-style: chr2-233127986-A-G.
Other names: c.1495A>G, p.Ser499Gly (NM_001257281.2); short protein forms S499G.
Identifiers: ClinVar variation 863794 (VCV000863794.7), dbSNP rs1559181238, ClinGen allele CA350975359.

ClinVar aggregate classification (germline): Uncertain significance (1 of 4 stars; one submission).

Conditions:
Perlman syndrome (PRLMNS). Identifiers: Orphanet 2849, MedGen C0796113, MONDO:0009965, OMIM 267000.

Allele frequency attached by ClinVar (database versions not stated): gnomAD exomes below 0.00001; TOPMed below 0.00001.
gnomAD v4.1: 2 of 1,614,212 alleles (0.00012%); highest among the groups gnomAD compares: Admixed American, 0.0017%; no homozygotes.

Submission:

Labcorp Genetics (formerly Invitae), Labcorp
Classification: Uncertain significance for Perlman syndrome. Last evaluated: 2022-07-06. Review status: criteria provided, single submitter. Criteria: Invitae Variant Classification Sherloc (09022015). Collection method: clinical testing. Allele origin: germline.
Comment: In summary, the available evidence is currently insufficient to determine the role of this variant in disease. Therefore, it has been classified as a Variant of Uncertain Significance. Algorithms developed to predict the effect of missense changes on protein structure and function (SIFT, PolyPhen-2, Align-GVGD) all suggest that this variant is likely to be tolerated. ClinVar contains an entry for this variant (Variation ID: 863794). This variant has not been reported in the literature in individuals affected with DIS3L2-related conditions. This variant is not present in population databases (gnomAD no frequency). This sequence change replaces serine, which is neutral and polar, with glycine, which is neutral and non-polar, at codon 499 of the DIS3L2 protein (p.Ser499Gly).